The following is an entry in ClinVar:

ClinVar aggregate classification (germline): Uncertain significance (1 of 4 stars; one submission).

Allele frequency attached by ClinVar (database versions not stated): gnomAD exomes 0.00001.
gnomAD v4.1: 10 of 1,538,926 alleles (0.00065%); highest among the groups gnomAD compares: Non-Finnish European, 0.00088%; no homozygotes.

Submission:

Greenwood Genetic Center Diagnostic Laboratories, Greenwood Genetic Center
Classification: Uncertain significance. Last evaluated: 2021-04-13. Review status: criteria provided, single submitter. Criteria: ACMG Guidelines, 2015. Collection method: clinical testing. Allele origin: germline. Affected: yes.
Comment: PP2, PM2

NM_014159.7(SETD2):c.93G>T (p.Lys31Asn)

Gene: SETD2 (SET domain containing 2, histone lysine methyltransferase; minus strand). Cytogenetic location: 3p21.31.
Variant type: single nucleotide variant.
Coding change: c.93G>T on transcript NM_014159.7 (MANE Select); coding-DNA position 93, G replaced by T.
Protein change: p.Lys31Asn; replaces lysine 31 with asparagine.
Molecular consequence: missense variant. On other transcripts: 5 prime UTR variant (1), non-coding transcript variant (1).
Genome position (GRCh38, 1-based): chr3:47,124,543, C>A on the plus strand (G>T on the coding strand, the complement: SETD2 is on the minus strand). VCF-style: chr3-47124543-C-A. GRCh37 (hg19) VCF-style: chr3-47166033-C-A.
Other names: c.-40G>T (NM_001349370.3); short protein forms K31N.
Identifiers: ClinVar variation 1334547 (VCV001334547.4), dbSNP rs2106730247, ClinGen allele CA352538622.